The following is an entry in ClinVar:

NM_000152.5(GAA):c.1466A>G (p.Asp489Gly)

Gene: GAA (alpha glucosidase; plus strand). Cytogenetic location: 17q25.3.
Variant type: single nucleotide variant.
Coding change: c.1466A>G on transcript NM_000152.5 (MANE Select); coding-DNA position 1466, A replaced by G.
Protein change: p.Asp489Gly; replaces aspartic acid 489 with glycine.
Molecular consequence: missense variant.
Genome position (GRCh38, 1-based): chr17:80,110,755, A>G. VCF-style: chr17-80110755-A-G. GRCh37 (hg19) VCF-style: chr17-78084554-A-G.
Other names: c.1466A>G, p.Asp489Gly (NM_001079803.3, NM_001079804.3, NM_001406741.1 and 1 more transcripts); short protein forms D489G.
Identifiers: ClinVar variation 2628097 (VCV002628097.2), dbSNP rs2510373785, ClinGen allele CA401366876.

ClinVar aggregate classification (germline): Likely pathogenic. Review status: criteria provided, multiple submitters, no conflicts (2 of 4 stars). 2 submissions from 2 submitters: Likely pathogenic (2). Last evaluated 2026-07-01.

Conditions:
Glycogen storage disease, type II (IOPD). Also called: CARDIOMEGALIA GLYCOGENICA DIFFUSA; GLYCOGENOSIS, GENERALIZED, CARDIAC FORM; GSD II; Glycogen storage disease type 2; Acid maltase deficiency disease; Aglucosidase alfa. Identifiers: Orphanet 365, MedGen C0017921, MONDO:0009290, OMIM 232300.

Submissions (2):

Genomenon, Inc
Classification: Likely pathogenic for Glycogen storage disease, type II. Last evaluated: 2026-07-01. Review status: criteria provided, single submitter. Criteria: Genomenon Sequence Variant Interpretation Standards - Updated. Collection method: curation. Allele origin: germline. Affected: yes.
Comment: GAA p.Asp489Gly (c.1466A>G) is a missense variant that changes the amino acid at codon 489 from Aspartic acid to Glycine. This variant has been observed in at least one proband with a GAA-related disorder in the compound heterozygous and/or homozygous state (PMID:30214072). The presence of pathogenic/likely pathogenic missense variant(s) at the same amino acid position indicates that this residue is likely important for protein function. It is absent or not present at a significant frequency in gnomAD. In silico models predict that this variant is possibly or probably damaging. In conclusion, we classify GAA p.Asp489Gly (c.1466A>G) as a likely pathogenic variant.

KardioGenetik, Herz- und Diabeteszentrum NRW
Classification: Likely pathogenic for Glycogen storage disease, type II. Last evaluated: 2023-09-28. Review status: criteria provided, single submitter. Criteria: ACMG Guidelines, 2015. Collection method: clinical testing. Allele origin: unknown. Affected: yes. Observed: 1 variant allele.

Literature cited by the submitters: PubMed 30214072 (cited by Genomenon, Inc).